The following is an entry in ClinVar:

ClinVar aggregate classification (germline): Likely benign. Review status: criteria provided, multiple submitters, no conflicts (2 of 4 stars). 2 submissions from 2 submitters: Likely benign (2). Last evaluated 2026-01-11.

Conditions:
ABCB4-related disorder. Also called: ABCB4-related disorders; ABCB4-related condition.

Allele frequency attached by ClinVar (database versions not stated): ExAC 0.00002.
gnomAD v4.1: 29 of 1,613,626 alleles (0.0018%); highest among the groups gnomAD compares: Middle Eastern, 0.033%; no homozygotes.

Submissions (2):

Labcorp Genetics (formerly Invitae), Labcorp
Classification: Likely benign. Last evaluated: 2026-01-11. Review status: criteria provided, single submitter. Criteria: Invitae Variant Classification Sherloc (09022015). Collection method: clinical testing. Allele origin: germline.

PreventionGenetics, part of Exact Sciences
Classification: Likely benign for ABCB4-related condition. Last evaluated: 2025-12-23. Review status: criteria provided, single submitter. Criteria: ACMG Guidelines, 2015. Collection method: clinical testing. Allele origin: germline.
Comment: This variant is classified as likely benign based on ACMG/AMP sequence variant interpretation guidelines (Richards et al. 2015 PMID: 25741868, with internal and published modifications).

NM_000443.4(ABCB4):c.2478+7A>G

Gene: ABCB4 (ATP binding cassette subfamily B member 4; minus strand). Cytogenetic location: 7q21.12.
Variant type: single nucleotide variant.
Coding change: c.2478+7A>G on transcript NM_000443.4 (MANE Select); 7 bases into the intron after coding-DNA position 2478, A replaced by G.
Molecular consequence: intron variant.
Genome position (GRCh38, 1-based): chr7:87,418,530, T>C on the plus strand (A>G on the coding strand, the complement: ABCB4 is on the minus strand). VCF-style: chr7-87418530-T-C. GRCh37 (hg19) VCF-style: chr7-87047846-T-C.
Other names: c.2478+7A>G (NM_018850.3, NM_018849.3, NM_000443.3).
Identifiers: ClinVar variation 2731924 (VCV002731924.4), dbSNP rs778002144, ClinGen allele CA4327006.